The following is an entry in ClinVar:

NM_000051.4(ATM):c.7150dup (p.Met2384fs)

Genes: ATM (ATM serine/threonine kinase; plus strand), C11orf65 (chromosome 11 open reading frame 65; minus strand). Cytogenetic location: 11q22.3.
Variant type: Duplication.
Coding change: c.7150dup on transcript NM_000051.4 (MANE Select); coding-DNA position 7150, one base duplicated (A; older notation c.7150dupA).
Protein change: p.Met2384fs; shifts the reading frame from methionine 2384.
Molecular consequence: frameshift variant. On other transcripts: intron variant (2).
Genome position (GRCh38, 1-based): chr11:108,329,081, A duplicated; the last of 5 consecutive A bases (chr11:108,329,077-108,329,081); duplicating any one gives the same sequence. VCF-style (leftmost placement, unchanged base first): chr11-108329076-G-GA. GRCh37 (hg19) VCF-style: chr11-108199803-G-GA.
Other names: c.7150dupA (NM_000051.3); c.7150dup, p.Met2384fs (NM_001351834.2); c.641-20006dup (NM_001330368.2); c.*38+6143dup (NM_001351110.2); short protein forms M2384fs.
Identifiers: ClinVar variation 2031194 (VCV002031194.4), dbSNP rs1487432916, ClinGen allele CA671415758.

ClinVar aggregate classification (germline): Pathogenic. Review status: criteria provided, multiple submitters, no conflicts (2 of 4 stars). 2 submissions from 2 submitters: Pathogenic (2). Last evaluated 2025-10-31.

Conditions:
Hereditary cancer-predisposing syndrome. Also called: Tumor predisposition; Hereditary Cancer Syndrome; Hereditary neoplastic syndrome; Neoplastic Syndromes, Hereditary. Identifiers: Orphanet 140162, MedGen C0027672, MeSH D009386, MONDO:0015356.
Ataxia-telangiectasia syndrome (AT). Also called: Ataxia-telangiectasia, complementation group D; AT, COMPLEMENTATION GROUP C; ATAXIA-TELANGIECTASIA, COMPLEMENTATION GROUP A; ATAXIA-TELANGIECTASIA, FRESNO VARIANT; Ataxia-telangiectasia, complementation group E; LOUIS-BAR SYNDROME. Identifiers: Orphanet 100, MedGen C0004135, MONDO:0008840, OMIM 208900.

Submissions (2):

Ambry Genetics
Classification: Pathogenic for Hereditary cancer-predisposing syndrome. Last evaluated: 2025-10-31. Review status: criteria provided, single submitter. Criteria: Ambry Variant Classification Scheme 2023. Collection method: clinical testing. Allele origin: germline.
Comment: The c.7150dupA pathogenic mutation, located in coding exon 48 of the ATM gene, results from a duplication of A at nucleotide position 7150, causing a translational frameshift with a predicted alternate stop codon (p.M2384Nfs*19). This variant is considered to be rare based on population cohorts in the Genome Aggregation Database (gnomAD). This alteration is expected to result in loss of function by premature protein truncation or nonsense-mediated mRNA decay. As such, this alteration is interpreted as a disease-causing mutation.

Labcorp Genetics (formerly Invitae), Labcorp
Classification: Pathogenic for Ataxia-telangiectasia syndrome. Last evaluated: 2022-09-19. Review status: criteria provided, single submitter. Criteria: Invitae Variant Classification Sherloc (09022015). Collection method: clinical testing. Allele origin: germline.
Comment: This variant is not present in population databases (gnomAD no frequency). This sequence change creates a premature translational stop signal (p.Met2384Asnfs*19) in the ATM gene. It is expected to result in an absent or disrupted protein product. Loss-of-function variants in ATM are known to be pathogenic (PMID: 23807571, 25614872). For these reasons, this variant has been classified as Pathogenic. This variant has not been reported in the literature in individuals affected with ATM-related conditions.

Literature cited by the submitters: PubMed 23807571 (cited by Labcorp Genetics (formerly Invitae), Labcorp); PubMed 25614872 (cited by Labcorp Genetics (formerly Invitae), Labcorp).